The following is an entry in ClinVar:

NM_000393.5(COL5A2):c.799-6A>G

Gene: COL5A2 (collagen type V alpha 2 chain; minus strand). Cytogenetic location: 2q32.2.
Variant type: single nucleotide variant.
Coding change: c.799-6A>G on transcript NM_000393.5 (MANE Select); 6 bases into the intron before coding-DNA position 799, A replaced by G.
Molecular consequence: intron variant.
Genome position (GRCh38, 1-based): chr2:189,084,043, T>C on the plus strand (A>G on the coding strand, the complement: COL5A2 is on the minus strand). VCF-style: chr2-189084043-T-C. GRCh37 (hg19) VCF-style: chr2-189948769-T-C.
Other names: c.799-6A>G (NM_000393.4).
Identifiers: ClinVar variation 377731 (VCV000377731.15), dbSNP rs111586240, ClinGen allele CA2022939.
Genomic context (GRCh38, chr2:189,084,043, plus strand): 5'-CCGGAGATCCTGCAAATCCCACTTCACCAGGATTTCCATTTCTGCCAGGTTCACCCTTTA[T>C]GGAAAAAAATGTAGGAGATTGGGAAGGCAAAAGTGATTAAAAGGTTCTTCTCTGAAACTA-3'

ClinVar aggregate classification (germline): Benign/Likely benign. Review status: criteria provided, multiple submitters, no conflicts (2 of 4 stars). 4 submissions from 4 submitters: Benign (1); Likely benign (3). Last evaluated 2025-12-08.

Conditions:
Genetic developmental and epileptic encephalopathy. Identifiers: MedGen CN379639, MONDO:0100062.
Ehlers-Danlos syndrome, classic type, 1 (EDSCL1). Also called: EHLERS-DANLOS SYNDROME, GRAVIS TYPE; EHLERS-DANLOS SYNDROME, SEVERE CLASSIC TYPE; Ehlers-Danlos Syndrome, Classic Type, COL5A1-Related; EDS I; Ehlers-Danlos syndrome, type 1. Identifiers: MedGen C0268335, MONDO:0019567, OMIM 130000.

Allele frequency attached by ClinVar (database versions not stated): gnomAD exomes 0.00004 and 0.00009; gnomAD 0.00003 and 0.00002; ExAC 0.00006; TOPMed 0.00003.
gnomAD v4.1: 59 of 1,610,398 alleles (0.0037%); highest among the groups gnomAD compares: Admixed American, 0.048%; no homozygotes.

Submissions (4):

Labcorp Genetics (formerly Invitae), Labcorp
Classification: Likely benign for Ehlers-Danlos syndrome, classic type, 1. Last evaluated: 2025-12-08. Review status: criteria provided, single submitter. Criteria: Invitae Variant Classification Sherloc (09022015). Collection method: clinical testing. Allele origin: germline.

Women's Health and Genetics/Laboratory Corporation of America, LabCorp
Classification: Benign. Last evaluated: 2023-07-21. Review status: criteria provided, single submitter. Criteria: LabCorp Variant Classification Summary - May 2015. Collection method: clinical testing. Allele origin: germline.

Cambridge Genomics Laboratory, East Genomic Laboratory Hub, NHS Genomic Medicine Service
Classification: Likely benign for Genetic developmental and epileptic encephalopathy. Last evaluated: 2019-11-08. Review status: criteria provided, single submitter. Criteria: ACGS Best Practice Guidelines for Variant Classification in Rare Disease 2020. Collection method: clinical testing. Allele origin: germline. Affected: yes. Observed: 1 variant allele.

GeneDx
Classification: Likely benign. Last evaluated: 2017-12-27. Review status: criteria provided, single submitter. Criteria: GeneDx Variant Classification (06012015). Collection method: clinical testing. Allele origin: germline. Affected: yes.
Comment: This variant is considered likely benign or benign based on one or more of the following criteria: it is a conservative change, it occurs at a poorly conserved position in the protein, it is predicted to be benign by multiple in silico algorithms, and/or has population frequency not consistent with disease.